The following is an entry in ClinVar:

NM_005475.3(SH2B3):c.1478G>T (p.Gly493Val)

Gene: SH2B3 (SH2B adaptor protein 3; plus strand). Cytogenetic location: 12q24.12.
Variant type: single nucleotide variant.
Coding change: c.1478G>T on transcript NM_005475.3 (MANE Select); coding-DNA position 1478, G replaced by T.
Protein change: p.Gly493Val; replaces glycine 493 with valine.
Molecular consequence: missense variant.
Genome position (GRCh38, 1-based): chr12:111,448,052, G>T. VCF-style: chr12-111448052-G-T. GRCh37 (hg19) VCF-style: chr12-111885856-G-T.
Other names: c.872G>T, p.Gly291Val (NM_001291424.1); short protein forms G291V, G493V.
Identifiers: ClinVar variation 4630708 (VCV004630708.1).
Genomic context (GRCh38, chr12:111,448,052, plus strand): 5'-ACACGGTCCTCTTCCCTTTCTCCCTTCCTCACTGGGATTCAGAGTCCCTTCCTCACTGGG[G>T]TTCAGAGTTGGGCCTTCCCCACCTTAGTTCTTCTGGCTGTCCCCGGGGGCTCAGCCCAGA-3'
Protein context (NP_005466.1, residues 483-503): HWDSESLPHW[Gly493Val]SELGLPHLSS

ClinVar aggregate classification (germline): Uncertain significance (1 of 4 stars; one submission).

Conditions:
Inborn genetic diseases. Identifiers: MedGen C0950123, MeSH D030342.

Submission:

Ambry Genetics
Classification: Uncertain significance for Inborn genetic diseases. Last evaluated: 2025-10-11. Review status: criteria provided, single submitter. Criteria: Ambry Variant Classification Scheme 2023. Collection method: clinical testing. Allele origin: germline.
Comment: The p.G493V variant (also known as c.1478G>T), located in coding exon 7 of the SH2B3 gene, results from a G to T substitution at nucleotide position 1478. The glycine at codon 493 is replaced by valine, an amino acid with dissimilar properties. This amino acid position is conserved. In addition, this alteration is predicted to be tolerated by in silico analysis. Based on the available evidence, the clinical significance of this variant remains unclear.